The following is an entry in ClinVar:

NM_022081.6(HPS4):c.1520A>T (p.Glu507Val)

Gene: HPS4 (HPS4 biogenesis of lysosomal organelles complex 3 subunit 2; minus strand). Cytogenetic location: 22q12.1.
Variant type: single nucleotide variant.
Coding change: c.1520A>T on transcript NM_022081.6 (MANE Select); coding-DNA position 1520, A replaced by T.
Protein change: p.Glu507Val; replaces glutamic acid 507 with valine.
Molecular consequence: missense variant. On other transcripts: non-coding transcript variant (8).
Genome position (GRCh38, 1-based): chr22:26,464,110, T>A on the plus strand (A>T on the coding strand, the complement: HPS4 is on the minus strand). VCF-style: chr22-26464110-T-A. GRCh37 (hg19) VCF-style: chr22-26860076-T-A.
Other names: c.1520A>T, p.Glu507Val (NM_001349896.1, NM_001349898.2, NM_001349899.2 and 4 more transcripts); c.1574A>T, p.Glu525Val (NM_001349900.2, NM_001349901.1); c.1505A>T, p.Glu502Val (NM_152841.2); c.1520A>T (NM_022081.4); short protein forms E507V, E502V, E525V.
Identifiers: ClinVar variation 1506293 (VCV001506293.6), dbSNP rs763311479, ClinGen allele CA411026554.

ClinVar aggregate classification (germline): Uncertain significance. Review status: criteria provided, multiple submitters, no conflicts (2 of 4 stars). 2 submissions from 2 submitters: Uncertain significance (2). Last evaluated 2025-11-26.

Conditions:
Inborn genetic diseases. Identifiers: MedGen C0950123, MeSH D030342.

gnomAD v4.1: 15 of 1,614,254 alleles (0.00093%); highest among the groups gnomAD compares: Non-Finnish European, 0.0012%; no homozygotes.

Submissions (2):

Ambry Genetics
Classification: Uncertain significance for Inborn genetic diseases. Last evaluated: 2025-11-26. Review status: criteria provided, single submitter. Criteria: Ambry Variant Classification Scheme 2023. Collection method: clinical testing. Allele origin: germline.

Labcorp Genetics (formerly Invitae), Labcorp
Classification: Uncertain significance. Last evaluated: 2022-03-26. Review status: criteria provided, single submitter. Criteria: Invitae Variant Classification Sherloc (09022015). Collection method: clinical testing. Allele origin: germline.
Comment: This sequence change replaces glutamic acid, which is acidic and polar, with valine, which is neutral and non-polar, at codon 507 of the HPS4 protein (p.Glu507Val). This variant is present in population databases (no rsID available, gnomAD 0.002%). This variant has not been reported in the literature in individuals affected with HPS4-related conditions. Algorithms developed to predict the effect of missense changes on protein structure and function (SIFT, PolyPhen-2, Align-GVGD) all suggest that this variant is likely to be tolerated. Algorithms developed to predict the effect of sequence changes on RNA splicing suggest that this variant may create or strengthen a splice site. In summary, the available evidence is currently insufficient to determine the role of this variant in disease. Therefore, it has been classified as a Variant of Uncertain Significance.